The following is an entry in ClinVar:

ClinVar aggregate classification (germline): Likely pathogenic (0 of 4 stars; one submission).

Conditions:
PKD1-related disorder. Also called: PKD1-related condition.

Submission:

PreventionGenetics, part of Exact Sciences
Classification: Likely pathogenic for PKD1-related condition. Last evaluated: 2024-07-26. Review status: no assertion criteria provided. Collection method: clinical testing. Allele origin: germline.
Comment: The PKD1 c.8016+1dupG variant is predicted to result in a duplication affecting a canonical splice site. This G duplication is predicted to introduce one base shifting at the canonical splice donor site GT of exon 21, leading to one G addition to the coding region. This change is expected to result in a frameshift and premature protein termination (p.Pro2674Alafs*148, equivalent to c.8019dup since the normal sequences of c.8016-c.8019 crossing exons 21 and 22 are GGGG). To our knowledge, this variant has not been reported in the literature or in a large population database, indicating this variant is rare. Frameshifting variants in PKD1 is expected to be pathogenic. This variant is interpreted as likely pathogenic.

NM_001009944.3(PKD1):c.8016+1dup

Gene: PKD1 (polycystin 1, transient receptor potential channel interacting; minus strand). Cytogenetic location: 16p13.3.
Variant type: Duplication.
Coding change: c.8016+1dup on transcript NM_001009944.3 (MANE Select); the canonical splice donor site of the intron after coding-DNA position 8016, one base duplicated (G; older notation c.8016+1dupG).
Molecular consequence: splice donor variant.
Genome position (GRCh38, 1-based): chr16:2,105,321, C duplicated on the plus strand (G on the coding strand, the reverse complement: PKD1 is on the minus strand); the first of 2 consecutive C bases (chr16:2,105,321-2,105,322); duplicating either gives the same sequence. VCF-style (leftmost placement, unchanged base first): chr16-2105320-A-AC. GRCh37 (hg19) VCF-style: chr16-2155321-A-AC.
Other names: c.8016+1dup (NM_000296.4).
Identifiers: ClinVar variation 3346251 (VCV003346251.1).
Genomic context (GRCh38, chr16:2,105,320, plus strand): 5'-GGGGCTGAACCCAGTGCCCTGGCAGGCATGCGGGGCAGGGTGAGCAGGTGGGGCCATCCT[A>AC]CCATGCACTGGGCCAGCGCAGCAGCGATCTGCTGGATGTCATCCACAGTGTGGACCCTCA-3'